The following is an entry in ClinVar:

ClinVar aggregate classification (germline): Likely benign. Review status: criteria provided, multiple submitters, no conflicts (2 of 4 stars). 3 submissions from 3 submitters: Likely benign (3). Last evaluated 2026-07-10.

Conditions:
HNF4A-related disorder. Also called: HNF4A-related condition.
Maturity-onset diabetes of the young (MODY). Also called: Maturity onset diabetes mellitus in young. Identifiers: Orphanet 552, MedGen C0342276, MONDO:0018911, HP:0004904.

Allele frequency attached by ClinVar (database versions not stated): gnomAD 0.00001; gnomAD exomes 0.00002; TOPMed 0.00002; ExAC 0.00004.
gnomAD v4.1: 41 of 1,613,844 alleles (0.0025%); highest among the groups gnomAD compares: Middle Eastern, 0.082%; no homozygotes.

Submissions (3):

PreventionGenetics, part of Exact Sciences
Classification: Likely benign for HNF4A-related condition. Last evaluated: 2026-07-10. Review status: criteria provided, single submitter. Criteria: ACMG Guidelines, 2015. Collection method: clinical testing. Allele origin: germline.
Comment: This variant is classified as likely benign based on ACMG/AMP sequence variant interpretation guidelines (Richards et al. 2015 PMID: 25741868, with internal and published modifications).

Women's Health and Genetics/Laboratory Corporation of America, LabCorp
Classification: Likely benign. Last evaluated: 2024-12-10. Review status: criteria provided, single submitter. Criteria: LabCorp Variant Classification Summary - May 2015. Collection method: clinical testing. Allele origin: germline.

Ambry Genetics
Classification: Likely benign for Maturity-onset diabetes of the young. Last evaluated: 2019-10-05. Review status: criteria provided, single submitter. Criteria: Ambry Variant Classification Scheme 2023. Collection method: clinical testing. Allele origin: germline.

NM_175914.5(HNF4A):c.990C>T (p.Ile330=)

Gene: HNF4A (hepatocyte nuclear factor 4 alpha; plus strand). Cytogenetic location: 20q13.12.
Variant type: single nucleotide variant.
Coding change: c.990C>T on transcript NM_175914.5 (MANE Select); coding-DNA position 990, C replaced by T.
Protein change: p.Ile330=; no amino-acid change (isoleucine 330 retained).
Molecular consequence: synonymous variant.
Genome position (GRCh38, 1-based): chr20:44,424,181, C>T. VCF-style: chr20-44424181-C-T. GRCh37 (hg19) VCF-style: chr20-43052821-C-T.
Other names: c.1056C>T, p.Ile352= (NM_000457.6, NM_178849.3, NM_178850.3); c.990C>T, p.Ile330= (NM_001030003.3, NM_001030004.3); c.1035C>T, p.Ile345= (NM_001258355.2); c.981C>T, p.Ile327= (NM_001287182.2, NM_001287183.2, NM_001287184.2).
Identifiers: ClinVar variation 1768575 (VCV001768575.4), dbSNP rs534709673, ClinGen allele CA9870420.